The following is an entry in ClinVar:

ClinVar aggregate classification (germline): Uncertain significance (1 of 4 stars; one submission).

Conditions:
Abducens nerve palsy. Also called: Abducens palsy; Sixth cranial nerve palsy; VI nerve palsy; 6th nerve palsy; Abducens Nerve Diseases; Cranial nerve VI palsy. Identifiers: MedGen C4551519, MONDO:0007033, OMIM 100200, HP:0006897.
Lissencephaly 9 with complex brainstem malformation. Identifiers: Orphanet 572013, MedGen C5193029, MONDO:0032677, OMIM 618325.

Submission:

Broad Center for Mendelian Genomics, Broad Institute of MIT and Harvard
Classification: Uncertain significance for Lissencephaly 9 with complex brainstem malformation; Abducens nerve palsy. Last evaluated: 2024-03-12. Review status: criteria provided, single submitter. Criteria: ACMG/ClinGen CNV Guidelines, 2019. Collection method: research. Allele origin: de novo. Inheritance: Autosomal dominant inheritance. Affected: yes.
Comment: The phenotype of the individual heterozygous for this variant is highly specific for MACF1-associated brain malformations, including lissencephaly and characteristic brainstem dysplasia. This exon 64-95 deletion in MACF1 has been reported in ClinVar (Variation ID: 586952), and it could not be established if reported individuals are unique or overlapping. There is partial overlap with the MACF1 gene, which has not been assessed by the ClinGen Dosage Sensitivity Working Group. Though dosage sensitivity has not been established, DECIPHER has predicted the MACF1 gene to be haploinsufficient. This variant is a deletion of 31 exons and is not predicted to alter the protein reading-frame. This deletion is expected to impact the protein. In summary, based on the current ACMG guidelines (2020), the clinical significance of the deletion is uncertain. The ACMG/ClinGen evidence codes and points used in this curation are as follows: 1: 0 points, 2: 0.15 points, 3: 0 points, 4-5: 0.45 points; Total: 0.60 points; Riggs 2020 (PMID: 31690835).

Literature cited by the submitters: PubMed 30471716; PubMed 39033378.

GRCh38/hg38 1p34.3(chr1:39428731-39468326)x1

Gene: MACF1 (microtubule actin crosslinking factor 1; plus strand). Cytogenetic location: 1p34.3.
Variant type: copy number loss.
Change: copy number 1 (one copy instead of two) of chr1:39,428,731-39,468,326 (39.6 kb, GRCh38 coordinates, 1-based), cytogenetic band 1p34.3.
Identifiers: ClinVar variation 3061840 (VCV003061840.1).